The following is an entry in ClinVar:

NM_000264.5(PTCH1):c.2356A>G (p.Arg786Gly)

Genes: PTCH1 (patched 1; minus strand), LOC100507346 (uncharacterized LOC100507346; plus strand). Cytogenetic location: 9q22.32.
Variant type: single nucleotide variant.
Coding change: c.2356A>G on transcript NM_000264.5 (MANE Select); coding-DNA position 2356, A replaced by G.
Protein change: p.Arg786Gly; replaces arginine 786 with glycine.
Molecular consequence: missense variant.
Genome position (GRCh38, 1-based): chr9:95,467,320, T>C on the plus strand (A>G on the coding strand, the complement: PTCH1 is on the minus strand). VCF-style: chr9-95467320-T-C. GRCh37 (hg19) VCF-style: chr9-98229602-T-C.
Other names: c.2158A>G, p.Arg720Gly (NM_001083602.3); c.2353A>G, p.Arg785Gly (NM_001083603.3); c.1903A>G, p.Arg635Gly (NM_001083604.3, NM_001083605.3, NM_001083606.3 and 1 more transcripts); c.2200A>G, p.Arg734Gly (NM_001354918.2); short protein forms R635G, R786G, R720G, R734G, R785G.
Identifiers: ClinVar variation 1505083 (VCV001505083.6), dbSNP rs2117967668, ClinGen allele CA374114506.

ClinVar aggregate classification (germline): Uncertain significance (1 of 4 stars; one submission).

Conditions:
Gorlin syndrome. Also called: Nevoid Basal Cell Carcinoma Syndrome; Basal cell nevus syndrome. Identifiers: Orphanet 377, MedGen C0004779, MONDO:0007187.

Allele frequency attached by ClinVar (database versions not stated): gnomAD exomes below 0.00001.
gnomAD v4.1: 2 of 1,614,224 alleles (0.00012%); highest among the groups gnomAD compares: South Asian, 0.0011%; no homozygotes.

Submission:

Labcorp Genetics (formerly Invitae), Labcorp
Classification: Uncertain significance for Gorlin syndrome. Last evaluated: 2021-07-31. Review status: criteria provided, single submitter. Criteria: Invitae Variant Classification Sherloc (09022015). Collection method: clinical testing. Allele origin: germline.
Comment: In summary, the available evidence is currently insufficient to determine the role of this variant in disease. Therefore, it has been classified as a Variant of Uncertain Significance. Advanced modeling of protein sequence and biophysical properties (such as structural, functional, and spatial information, amino acid conservation, physicochemical variation, residue mobility, and thermodynamic stability) performed at Invitae indicates that this missense variant is not expected to disrupt PTCH1 protein function. This variant has not been reported in the literature in individuals affected with PTCH1-related conditions. This variant is not present in population databases (ExAC no frequency). This sequence change replaces arginine with glycine at codon 786 of the PTCH1 protein (p.Arg786Gly). The arginine residue is weakly conserved and there is a moderate physicochemical difference between arginine and glycine.